The following is an entry in ClinVar:

ClinVar aggregate classification (germline): Benign/Likely benign. Review status: criteria provided, multiple submitters, no conflicts (2 of 4 stars). 2 submissions from 2 submitters: Benign (1); Likely benign (1). Last evaluated 2025-12-02.

Conditions:
Amyotrophic lateral sclerosis type 21. Also called: MYOPATHY, DISTAL, 2; VOCAL CORD AND PHARYNGEAL DYSFUNCTION WITH DISTAL MYOPATHY. Identifiers: Orphanet 600, Orphanet 803, MedGen C3807521, MONDO:0011632, OMIM 606070.

Allele frequency attached by ClinVar (database versions not stated): gnomAD exomes 0.00002 and 0.00005; ExAC 0.00008; gnomAD 0.00025 and 0.00027; TOPMed 0.00029; ESP Exome Variant Server 0.00054.
gnomAD v4.1: 75 of 1,594,676 alleles (0.0047%); highest among the groups gnomAD compares: African/African-American, 0.088%; no homozygotes.

Submissions (2):

Labcorp Genetics (formerly Invitae), Labcorp
Classification: Benign for Amyotrophic lateral sclerosis type 21. Last evaluated: 2025-12-02. Review status: criteria provided, single submitter. Criteria: Invitae Variant Classification Sherloc (09022015). Collection method: clinical testing. Allele origin: germline.

CeGaT Center for Human Genetics Tuebingen
Classification: Likely benign. Last evaluated: 2025-12-01. Review status: criteria provided, single submitter. Criteria: CeGaT Center For Human Genetics Tuebingen Variant Classification Criteria Version 2. Collection method: clinical testing. Allele origin: germline. Affected: yes. Observed: 1 variant allele.
Comment: MATR3: BP4, BS2

NM_018834.6(MATR3):c.1130-4A>G

Gene: MATR3 (matrin 3; plus strand). Cytogenetic location: 5q31.2.
Variant type: single nucleotide variant.
Coding change: c.1130-4A>G on transcript NM_018834.6 (MANE Select); 4 bases into the intron before coding-DNA position 1130, A replaced by G.
Molecular consequence: intron variant.
Genome position (GRCh38, 1-based): chr5:139,317,049, A>G. VCF-style: chr5-139317049-A-G. GRCh37 (hg19) VCF-style: chr5-138652738-A-G.
Other names: c.1130-4A>G (NM_199189.3, NM_001194954.2, NM_001194955.2); c.116-4A>G (NM_001282278.2); c.266-4A>G (NM_001194956.2).
Identifiers: ClinVar variation 1164350 (VCV001164350.14), dbSNP rs371701183, ClinGen allele CA3433058.
Genomic context (GRCh38, chr5:139,317,049, plus strand): 5'-GTAAAATTGCTTCTTTAAGCAAGTATAGTGATTACAAGACTGAAAACTTTCTCTTCCCAT[A>G]AAGGTGCTGGAAATGGAAACCTGCAAGGACCTAGACACATGCAGAAAGGCAGAGTGGTCA-3'